The following is an entry in ClinVar:

ClinVar aggregate classification (germline): Uncertain significance. Review status: criteria provided, multiple submitters, no conflicts (2 of 4 stars). 3 submissions from 3 submitters: Uncertain significance (3). Last evaluated 2025-08-04.

Conditions:
Inborn genetic diseases. Identifiers: MedGen C0950123, MeSH D030342.
Idiopathic generalized epilepsy. Also called: Generalised epilepsy; EIG. Identifiers: MedGen C0270850, MONDO:0005579, OMIM 600669.

Allele frequency attached by ClinVar (database versions not stated): ExAC 0.00004; TOPMed 0.00008; gnomAD 0.00009; ESP Exome Variant Server 0.00015; 1000 Genomes Project 0.00020; 1000 Genomes Project 30x 0.00031.
gnomAD v4.1: 75 of 1,603,762 alleles (0.0047%); highest among the groups gnomAD compares: African/African-American, 0.067%; 1 homozygote.

Submissions (3):

Labcorp Genetics (formerly Invitae), Labcorp
Classification: Uncertain significance for Idiopathic generalized epilepsy. Last evaluated: 2025-08-04. Review status: criteria provided, single submitter. Criteria: Invitae Variant Classification Sherloc (09022015). Collection method: clinical testing. Allele origin: germline.
Comment: This sequence change replaces glycine, which is neutral and non-polar, with alanine, which is neutral and non-polar, at codon 389 of the GABRD protein (p.Gly389Ala). This variant is present in population databases (rs372742962, gnomAD 0.02%). This variant has not been reported in the literature in individuals affected with GABRD-related conditions. ClinVar contains an entry for this variant (Variation ID: 447366). An algorithm developed to predict the effect of missense changes on protein structure and function (PolyPhen-2) suggests that this variant is likely to be tolerated. In summary, the available evidence is currently insufficient to determine the role of this variant in disease. Therefore, it has been classified as a Variant of Uncertain Significance.

Ambry Genetics
Classification: Uncertain significance for Inborn genetic diseases. Last evaluated: 2024-07-14. Review status: criteria provided, single submitter. Criteria: Ambry Variant Classification Scheme 2023. Collection method: clinical testing. Allele origin: germline.

Athena Diagnostics
Classification: Uncertain significance. Last evaluated: 2016-11-30. Review status: criteria provided, single submitter. Criteria: Athena Diagnostics Criteria. Collection method: clinical testing. Allele origin: germline.

NM_000815.5(GABRD):c.1166G>C (p.Gly389Ala)

Gene: GABRD (gamma-aminobutyric acid type A receptor subunit delta; plus strand). Cytogenetic location: 1p36.33.
Variant type: single nucleotide variant.
Coding change: c.1166G>C on transcript NM_000815.5 (MANE Select); coding-DNA position 1166, G replaced by C.
Protein change: p.Gly389Ala; replaces glycine 389 with alanine.
Molecular consequence: missense variant.
Genome position (GRCh38, 1-based): chr1:2,030,089, G>C. VCF-style: chr1-2030089-G-C. GRCh37 (hg19) VCF-style: chr1-1961528-G-C.
Other names: short protein forms G389A.
Identifiers: ClinVar variation 447366 (VCV000447366.12), dbSNP rs372742962, ClinGen allele CA534941.